The following is an entry in ClinVar:

NM_015909.4(NBAS):c.1853T>C (p.Ile618Thr)

Gene: NBAS (NBAS subunit of NRZ tethering complex; minus strand). Cytogenetic location: 2p24.3.
Variant type: single nucleotide variant.
Coding change: c.1853T>C on transcript NM_015909.4 (MANE Select); coding-DNA position 1853, T replaced by C.
Protein change: p.Ile618Thr; replaces isoleucine 618 with threonine.
Molecular consequence: missense variant. On other transcripts: non-coding transcript variant (1).
Genome position (GRCh38, 1-based): chr2:15,468,406, A>G on the plus strand (T>C on the coding strand, the complement: NBAS is on the minus strand). VCF-style: chr2-15468406-A-G. GRCh37 (hg19) VCF-style: chr2-15608530-A-G.
Other names: c.1853T>C (NM_015909.2); short protein forms I618T.
Identifiers: ClinVar variation 1346491 (VCV001346491.9), dbSNP rs2148574220, ClinGen allele CA345884167.

ClinVar aggregate classification (germline): Uncertain significance. Review status: criteria provided, multiple submitters, no conflicts (2 of 4 stars). 2 submissions from 2 submitters: Uncertain significance (2). Last evaluated 2024-07-30.

Conditions:
Inborn genetic diseases. Identifiers: MedGen C0950123, MeSH D030342.

Submissions (2):

Ambry Genetics
Classification: Uncertain significance for Inborn genetic diseases. Last evaluated: 2024-07-30. Review status: criteria provided, single submitter. Criteria: Ambry Variant Classification Scheme 2023. Collection method: clinical testing. Allele origin: germline.

Labcorp Genetics (formerly Invitae), Labcorp
Classification: Uncertain significance. Last evaluated: 2021-04-17. Review status: criteria provided, single submitter. Criteria: Invitae Variant Classification Sherloc (09022015). Collection method: clinical testing. Allele origin: germline.
Comment: In summary, the available evidence is currently insufficient to determine the role of this variant in disease. Therefore, it has been classified as a Variant of Uncertain Significance. Algorithms developed to predict the effect of missense changes on protein structure and function are either unavailable or do not agree on the potential impact of this missense change (SIFT: "Deleterious"; PolyPhen-2: "Benign"; Align-GVGD: "Class C65"). This variant has not been reported in the literature in individuals with NBAS-related conditions. This variant is not present in population databases (ExAC no frequency). This sequence change replaces isoleucine with threonine at codon 618 of the NBAS protein (p.Ile618Thr). The isoleucine residue is highly conserved and there is a moderate physicochemical difference between isoleucine and threonine.